The following is an entry in ClinVar:

NM_001734.5(C1S):c.741del (p.Phe247fs)

Gene: C1S (complement C1s; plus strand). Cytogenetic location: 12p13.31.
Variant type: Deletion.
Coding change: c.741del on transcript NM_001734.5 (MANE Select); coding-DNA position 741, one base deleted (T; older notation c.741delT).
Protein change: p.Phe247fs; shifts the reading frame from phenylalanine 247.
Molecular consequence: frameshift variant.
Genome position (GRCh38, 1-based): chr12:7,065,840, T deleted; the last of 3 consecutive T bases (chr12:7,065,838-7,065,840); deleting any one gives the same sequence. VCF-style (leftmost placement, unchanged base first): chr12-7065837-AT-A. GRCh37 (hg19) VCF-style: chr12-7173141-AT-A.
Other names: c.240del, p.Phe80fs (NM_001346850.2); c.741del, p.Phe247fs (NM_201442.4); short protein forms F247fs, F80fs.
Identifiers: ClinVar variation 2698081 (VCV002698081.3), dbSNP rs2539599999, ClinGen allele CA2575064361.

ClinVar aggregate classification (germline): Pathogenic (1 of 4 stars; one submission).

Submission:

Labcorp Genetics (formerly Invitae), Labcorp
Classification: Pathogenic. Last evaluated: 2023-11-21. Review status: criteria provided, single submitter. Criteria: Invitae Variant Classification Sherloc (09022015). Collection method: clinical testing. Allele origin: germline.
Comment: This sequence change creates a premature translational stop signal (p.Phe247Leufs*13) in the C1S gene. It is expected to result in an absent or disrupted protein product. Loss-of-function variants in C1S are known to be pathogenic (PMID: 18062908). This variant is not present in population databases (gnomAD no frequency). This variant has not been reported in the literature in individuals affected with C1S-related conditions. Algorithms developed to predict the effect of sequence changes on RNA splicing suggest that this variant may disrupt the consensus splice site. For these reasons, this variant has been classified as Pathogenic.

Literature cited by the submitters: PubMed 18062908.